The following is an entry in ClinVar:

ClinVar aggregate classification (germline): Pathogenic (1 of 4 stars; one submission).

Conditions:
Hereditary pheochromocytoma and paraganglioma. Also called: Hereditary paragangliomas and pheochromocytomas; Hereditary Paraganglioma-Pheochromocytoma Syndromes; Hereditary pheochromocytoma-paraganglioma. Identifiers: Orphanet 29072, MedGen C4274332, MONDO:0017366.

Submission:

Labcorp Genetics (formerly Invitae), Labcorp
Classification: Pathogenic for Hereditary pheochromocytoma and paraganglioma. Last evaluated: 2022-09-07. Review status: criteria provided, single submitter. Criteria: Invitae Variant Classification Sherloc (09022015). Collection method: clinical testing. Allele origin: germline.
Comment: For these reasons, this variant has been classified as Pathogenic. This variant disrupts a region of the TMEM127 protein in which other variant(s) (p.Tyr178Leufs*48) have been determined to be pathogenic (PMID: 28384794, 28855235). This suggests that this is a clinically significant region of the protein, and that variants that disrupt it are likely to be disease-causing. This variant has not been reported in the literature in individuals affected with TMEM127-related conditions. This variant is a gross deletion of the genomic region encompassing exon(s) 3-4 of the TMEM127 gene, which includes the termination codon. This deletion extends beyond the assayed region for this gene and therefore may encompass additional genes. While this deletion is not anticipated to lead to nonsense mediated decay, it is expected to alter mRNA translation or result in a truncated protein product.

Literature cited by the submitters: PubMed 28384794; PubMed 28855235.

NC_000002.11:g.(?_96919546)_(96920745_?)del

Gene: TMEM127 (transmembrane protein 127; minus strand). Cytogenetic location: 2q11.2.
Variant type: Deletion.
Identifiers: ClinVar variation 1456579 (VCV001456579.5).